The following is an entry in ClinVar:

ClinVar aggregate classification (germline): Uncertain significance (1 of 4 stars; one submission).

Conditions:
Dilated cardiomyopathy 1KK (CMD1KK). Identifiers: Orphanet 154, Orphanet 75249, MedGen C3714995, MONDO:0014100, OMIM 615248.

Allele frequency attached by ClinVar (database versions not stated): gnomAD exomes below 0.00001.
gnomAD v4.1: 4 of 1,614,170 alleles (0.00025%); highest among the groups gnomAD compares: Admixed American, 0.0017%; no homozygotes.

Submission:

Labcorp Genetics (formerly Invitae), Labcorp
Classification: Uncertain significance for Dilated cardiomyopathy 1KK. Last evaluated: 2022-09-17. Review status: criteria provided, single submitter. Criteria: Invitae Variant Classification Sherloc (09022015). Collection method: clinical testing. Allele origin: germline.
Comment: In summary, the available evidence is currently insufficient to determine the role of this variant in disease. Therefore, it has been classified as a Variant of Uncertain Significance. Algorithms developed to predict the effect of missense changes on protein structure and function (SIFT, PolyPhen-2, Align-GVGD) all suggest that this variant is likely to be tolerated. This variant has not been reported in the literature in individuals affected with MYPN-related conditions. This variant is not present in population databases (gnomAD no frequency). This sequence change replaces isoleucine, which is neutral and non-polar, with valine, which is neutral and non-polar, at codon 215 of the MYPN protein (p.Ile215Val).

NM_032578.4(MYPN):c.643A>G (p.Ile215Val)

Gene: MYPN (myopalladin; plus strand). Cytogenetic location: 10q21.3.
Variant type: single nucleotide variant.
Coding change: c.643A>G on transcript NM_032578.4 (MANE Select); coding-DNA position 643, A replaced by G.
Protein change: p.Ile215Val; replaces isoleucine 215 with valine.
Molecular consequence: missense variant. On other transcripts: 5 prime UTR variant (1), non-coding transcript variant (1).
Genome position (GRCh38, 1-based): chr10:68,122,081, A>G. VCF-style: chr10-68122081-A-G. GRCh37 (hg19) VCF-style: chr10-69881838-A-G.
Other names: c.643A>G, p.Ile215Val (NM_001256267.2); c.-480A>G (NM_001256268.2); short protein forms I215V.
Identifiers: ClinVar variation 1932521 (VCV001932521.5), dbSNP rs2495465451, ClinGen allele CA377104808.